The following is an entry in ClinVar:

ClinVar aggregate classification (germline): Conflicting classifications of pathogenicity. Review status: criteria provided, conflicting classifications (1 of 4 stars). 2 submissions from 2 submitters: Uncertain significance (1); Likely benign (1). Last evaluated 2025-10-01.

Submissions (2):

Labcorp Genetics (formerly Invitae), Labcorp
Classification: Likely benign. Last evaluated: 2025-10-01. Review status: criteria provided, single submitter. Criteria: Invitae Variant Classification Sherloc (09022015). Collection method: clinical testing. Allele origin: germline.

GeneDx
Classification: Uncertain significance. Last evaluated: 2024-05-28. Review status: criteria provided, single submitter. Criteria: GeneDx Variant Classification Process June 2021. Collection method: clinical testing. Allele origin: germline. Affected: yes.
Comment: Not observed at significant frequency in large population cohorts (gnomAD); In-frame deletion of 10 amino acids in a non-repeat region; In silico analysis supports a deleterious effect on protein structure/function; Has not been previously published as pathogenic or benign to our knowledge

NM_138927.4(SON):c.2271_2300del (p.Ser758_Ala767del)

Gene: SON (SON DNA and RNA binding protein; plus strand). Cytogenetic location: 21q22.11.
Variant type: Deletion.
Coding change: c.2271_2300del on transcript NM_138927.4 (MANE Select); coding-DNA positions 2271 to 2300, 30 bases deleted (GTCTAGCACCATGGACTCCCAGATGTTAGC).
Protein change: p.Ser758_Ala767del.
Molecular consequence: intron variant (on NM_001291412.3). On other transcripts: non-coding transcript variant (1).
Genome position (GRCh38, 1-based): chr21:33,551,502-33,551,531, GTCTAGCACCATGGACTCCCAGATGTTAGC deleted; deleting any 30 consecutive bases within chr21:33,551,478-33,551,531 gives the same sequence; the c. name uses the placement nearest the transcript's 3' end. VCF-style (leftmost placement, unchanged base first): chr21-33551477-ACACCATGGACTCCCAGATGTTAGCGTCTAG-A. GRCh37 (hg19) VCF-style: chr21-34923783-ACACCATGGACTCCCAGATGTTAGCGTCTAG-A.
Other names: c.244+5123_244+5152del (NM_001291412.3); c.2271_2300del, p.Ser758_Ala767del (NM_001291411.2, NM_032195.3).
Identifiers: ClinVar variation 3383620 (VCV003383620.3).
Genomic context (GRCh38, chr21:33,551,477, plus strand): 5'-ACACCATGGACTCCCAAATGCTAGCGTCCAACACCATGGACTCCCAGATGCTAGCATCCA[ACACCATGGACTCCCAGATGTTAGCGTCTAG>A]CACCATGGACTCCCAGATGTTAGCAACTAGCTCCATGGACTCCCAGATGTTAGCAACTAG-3'